The following is an entry in ClinVar:

NM_004360.5(CDH1):c.1112A>C (p.Asn371Thr)

Gene: CDH1 (cadherin 1; plus strand). Cytogenetic location: 16q22.1.
Variant type: single nucleotide variant.
Coding change: c.1112A>C on transcript NM_004360.5 (MANE Select); coding-DNA position 1112, A replaced by C.
Protein change: p.Asn371Thr; replaces asparagine 371 with threonine.
Molecular consequence: missense variant. On other transcripts: 5 prime UTR variant (2).
Genome position (GRCh38, 1-based): chr16:68,812,238, A>C. VCF-style: chr16-68812238-A-C. GRCh37 (hg19) VCF-style: chr16-68846141-A-C.
Other names: c.1112A>C, p.Asn371Thr (NM_001317184.2); c.-504A>C (NM_001317185.2); c.-708A>C (NM_001317186.2); c.1112A>C (NM_004360.4); short protein forms N371T.
Identifiers: ClinVar variation 822200 (VCV000822200.13), dbSNP rs1555515754, ClinGen allele CA396460190.

ClinVar aggregate classification (germline): Uncertain significance. Review status: criteria provided, multiple submitters, no conflicts (2 of 4 stars). 3 submissions from 3 submitters: Uncertain significance (3). Last evaluated 2024-07-02.

Conditions:
Hereditary cancer-predisposing syndrome. Also called: Hereditary Cancer Syndrome; Neoplastic Syndromes, Hereditary; Hereditary neoplastic syndrome; Tumor predisposition. Identifiers: Orphanet 140162, MedGen C0027672, MeSH D009386, MONDO:0015356.
Hereditary diffuse gastric adenocarcinoma (HDGC). Also called: DIFFUSE GASTRIC AND LOBULAR BREAST CANCER SYNDROME. Identifiers: Orphanet 26106, MedGen C1708349, MONDO:0007648, OMIM 137215.

Submissions (3):

Quest Diagnostics Nichols Institute San Juan Capistrano
Classification: Uncertain significance. Last evaluated: 2024-07-02. Review status: criteria provided, single submitter. Criteria: Quest Diagnostics criteria. Collection method: clinical testing. Allele origin: unknown.
Comment: The CDH1 c.1112A>C (p.Asn371Thr) variant has not been reported in individuals with CDH1-related conditions in the published literature. It also has not been reported in large, multi-ethnic general populations (Genome Aggregation Database). Analysis of this variant using bioinformatics tools for the prediction of the effect of amino acid changes on protein structure and function yielded predictions that this variant is damaging. Based on the available information, we are unable to determine the clinical significance of this variant.

Labcorp Genetics (formerly Invitae), Labcorp
Classification: Uncertain significance for Hereditary diffuse gastric adenocarcinoma. Last evaluated: 2022-08-23. Review status: criteria provided, single submitter. Criteria: Invitae Variant Classification Sherloc (09022015). Collection method: clinical testing. Allele origin: germline.
Comment: This sequence change replaces asparagine, which is neutral and polar, with threonine, which is neutral and polar, at codon 371 of the CDH1 protein (p.Asn371Thr). This variant is not present in population databases (gnomAD no frequency). This variant has not been reported in the literature in individuals affected with CDH1-related conditions. ClinVar contains an entry for this variant (Variation ID: 822200). Algorithms developed to predict the effect of missense changes on protein structure and function (SIFT, PolyPhen-2, Align-GVGD) all suggest that this variant is likely to be disruptive. In summary, the available evidence is currently insufficient to determine the role of this variant in disease. Therefore, it has been classified as a Variant of Uncertain Significance.

Ambry Genetics
Classification: Uncertain significance for Hereditary cancer-predisposing syndrome. Last evaluated: 2018-07-30. Review status: criteria provided, single submitter. Criteria: Ambry Variant Classification Scheme 2023. Collection method: clinical testing. Allele origin: germline.
Comment: The p.N371T variant (also known as c.1112A>C), located in coding exon 8 of the CDH1 gene, results from an A to C substitution at nucleotide position 1112. The asparagine at codon 371 is replaced by threonine, an amino acid with similar properties. This amino acid position is highly conserved in available vertebrate species. In addition, the in silico prediction for this alteration is inconclusive. Since supporting evidence is limited at this time, the clinical significance of this alteration remains unclear.